The following is an entry in ClinVar:

NM_001042492.3(NF1):c.828G>T (p.Leu276Phe)

Gene: NF1 (neurofibromin 1; plus strand). Cytogenetic location: 17q11.2.
Variant type: single nucleotide variant.
Coding change: c.828G>T on transcript NM_001042492.3 (MANE Select); coding-DNA position 828, G replaced by T.
Protein change: p.Leu276Phe; replaces leucine 276 with phenylalanine.
Molecular consequence: missense variant.
Genome position (GRCh38, 1-based): chr17:31,182,605, G>T. VCF-style: chr17-31182605-G-T. GRCh37 (hg19) VCF-style: chr17-29509623-G-T.
Other names: c.828G>T, p.Leu276Phe (NM_000267.4, NM_001128147.3); short protein forms L276F.
Identifiers: ClinVar variation 3879141 (VCV003879141.1).

ClinVar aggregate classification (germline): Uncertain significance (1 of 4 stars; one submission).

Conditions:
Cardiovascular phenotype. Identifiers: MedGen CN230736.
Hereditary cancer-predisposing syndrome. Also called: Tumor predisposition; Neoplastic Syndromes, Hereditary; Hereditary Cancer Syndrome; Hereditary neoplastic syndrome. Identifiers: Orphanet 140162, MedGen C0027672, MeSH D009386, MONDO:0015356.

Submission:

Ambry Genetics
Classification: Uncertain significance for Cardiovascular phenotype; Hereditary cancer-predisposing syndrome. Last evaluated: 2025-03-01. Review status: criteria provided, single submitter. Criteria: Ambry Variant Classification Scheme 2023. Collection method: clinical testing. Allele origin: germline.
Comment: The p.L276F variant (also known as c.828G>T), located in coding exon 8 of the NF1 gene, results from a G to T substitution at nucleotide position 828. The leucine at codon 276 is replaced by phenylalanine, an amino acid with highly similar properties. This amino acid position is conserved. In addition, this alteration is predicted to be deleterious by in silico analysis. Based on the available evidence, the clinical significance of this variant remains unclear.